The following is an entry in ClinVar:

NM_001370259.2(MEN1):c.320dup (p.Arg108fs)

Gene: MEN1 (menin 1; minus strand). Cytogenetic location: 11q13.1.
Variant type: Duplication.
Coding change: c.320dup on transcript NM_001370259.2 (MANE Select); coding-DNA position 320, one base duplicated (C; older notation c.320dupC).
Protein change: p.Arg108fs; shifts the reading frame from arginine 108.
Molecular consequence: frameshift variant.
Genome position (GRCh38, 1-based): chr11:64,809,790, G duplicated on the plus strand (C on the coding strand, the reverse complement: MEN1 is on the minus strand); the first of 2 consecutive G bases (chr11:64,809,790-64,809,791); duplicating either gives the same sequence. VCF-style (leftmost placement, unchanged base first): chr11-64809789-A-AG. GRCh37 (hg19) VCF-style: chr11-64577261-A-AG.
Other names: c.320dup (NM_130799.2); c.320dupC (NM_130799.3, NM_130799.2); c.320dup, p.Arg108fs (NM_000244.4, NM_001370251.2, NM_001370260.2 and 9 more transcripts); c.319dup, p.Arg108Serfs (NM_001407142.1, NM_001407143.1, NM_001407144.1 and 8 more transcripts); short protein forms R108fs.
Identifiers: ClinVar variation 2137151 (VCV002137151.8), dbSNP rs2497265977, ClinGen allele CA2580084418.

ClinVar aggregate classification (germline): Pathogenic. Review status: criteria provided, multiple submitters, no conflicts (2 of 4 stars). 4 submissions from 4 submitters: Pathogenic (4). Last evaluated 2025-05-28.

Conditions:
Hereditary cancer-predisposing syndrome. Also called: Tumor predisposition; Hereditary Cancer Syndrome; Hereditary neoplastic syndrome; Neoplastic Syndromes, Hereditary. Identifiers: Orphanet 140162, MedGen C0027672, MeSH D009386, MONDO:0015356.
Multiple endocrine neoplasia, type 1 (MEN1). Also called: WERMER SYNDROME; Endocrine adenomatosis multiple; MEN 1; MEA I; MEN I. Identifiers: Orphanet 652, MedGen C0025267, MeSH D018761, MONDO:0007540, OMIM 131100.

Submissions (4):

Ambry Genetics
Classification: Pathogenic for Hereditary cancer-predisposing syndrome. Last evaluated: 2025-05-28. Review status: criteria provided, single submitter. Criteria: Ambry Variant Classification Scheme 2023. Collection method: clinical testing. Allele origin: germline.
Comment: The c.320dupC pathogenic mutation, located in coding exon 1 of the MEN1 gene, results from a duplication of C at nucleotide position 320, causing a translational frameshift with a predicted alternate stop codon (p.R108Sfs*9). This variant is considered to be rare based on population cohorts in the Genome Aggregation Database (gnomAD). This alteration is expected to result in loss of function by premature protein truncation or nonsense-mediated mRNA decay. As such, this alteration is interpreted as a disease-causing mutation.

Women's Health and Genetics/Laboratory Corporation of America, LabCorp
Classification: Pathogenic for Multiple endocrine neoplasia, type 1. Last evaluated: 2025-02-13. Review status: criteria provided, single submitter. Criteria: LabCorp Variant Classification Summary - May 2015. Collection method: clinical testing. Allele origin: germline.
Comment: Variant summary: MEN1 c.320dupC (p.Arg108SerfsX9) results in a premature termination codon, predicted to cause absence of the protein due to nonsense mediated decay, which is a commonly known mechanism for disease. The variant was absent in 251256 control chromosomes. c.320dupC has been reported in the literature in individuals affected with Multiple Endocrine Neoplasia Type 1. To our knowledge, no experimental evidence demonstrating an impact on protein function has been reported. ClinVar contains an entry for this variant (Variation ID: 2137151). Based on the evidence outlined above, the variant was classified as pathogenic.

Labcorp Genetics (formerly Invitae), Labcorp
Classification: Pathogenic for Multiple endocrine neoplasia, type 1. Last evaluated: 2023-09-14. Review status: criteria provided, single submitter. Criteria: Invitae Variant Classification Sherloc (09022015). Collection method: clinical testing. Allele origin: germline.
Comment: For these reasons, this variant has been classified as Pathogenic. ClinVar contains an entry for this variant (Variation ID: 2137151). This sequence change creates a premature translational stop signal (p.Arg108Serfs*9) in the MEN1 gene. It is expected to result in an absent or disrupted protein product. Loss-of-function variants in MEN1 are known to be pathogenic (PMID: 12112656, 17853334). This variant is not present in population databases (gnomAD no frequency). This premature translational stop signal has been observed in individual(s) with multiple endocrine neoplasia type 1 (PMID: 15714081). This variant is also known as codon 107, CCT>CCCT.

Baylor Genetics
Classification: Pathogenic for Multiple Endocrine Neoplasia Type 1. Last evaluated: 2022-08-31. Review status: criteria provided, single submitter. Criteria: ACMG Guidelines, 2015. Collection method: clinical testing. Allele origin: unknown.

Literature cited by the submitters: PubMed 15714081 (cited by Women's Health and Genetics/Laboratory Corporation of America, LabCorp and Labcorp Genetics (formerly Invitae), Labcorp); PubMed 12112656 (cited by Labcorp Genetics (formerly Invitae), Labcorp); PubMed 17853334 (cited by Labcorp Genetics (formerly Invitae), Labcorp).